The following is an entry in ClinVar:

NM_000371.4(TTR):c.311T>A (p.Ile104Asn)

Gene: TTR (transthyretin; plus strand). Cytogenetic location: 18q12.1.
Variant type: single nucleotide variant.
Coding change: c.311T>A on transcript NM_000371.4 (MANE Select); coding-DNA position 311, T replaced by A.
Protein change: p.Ile104Asn; replaces isoleucine 104 with asparagine.
Molecular consequence: missense variant.
Genome position (GRCh38, 1-based): chr18:31,595,230, T>A. VCF-style: chr18-31595230-T-A. GRCh37 (hg19) VCF-style: chr18-29175193-T-A.
Other names: short protein forms I104N.
Identifiers: ClinVar variation 2736721 (VCV002736721.3), dbSNP rs121918072, ClinGen allele CA402157110.
Genomic context (GRCh38, chr18:31,595,230, plus strand): 5'-TTGTAGAAGGGATATACAAAGTGGAAATAGACACCAAATCTTACTGGAAGGCACTTGGCA[T>A]CTCCCCATTCCATGAGCATGCAGAGGTGAGTATACAGACCTTCGAGGGTTGTTTTGGTTT-3'
Protein context (NP_000362.1, residues 94-114): DTKSYWKALG[Ile104Asn]SPFHEHAEVV

ClinVar aggregate classification (germline): Pathogenic (1 of 4 stars; one submission).

Conditions:
Amyloidosis, hereditary systemic 1 (AMYLD1). Also called: Isolated Cardiac Amyloidosis; Amyloid Cardiomyopathy, Transthyretin-related; Familial amyloid polyneuropathy; Transthyretin Amyloidosis; Hereditary oculoleptomeningeal amyloid angiopathy; Familial Transthyretin Amyloidosis. Identifiers: Orphanet 85447, Orphanet 85451, MedGen C2751492, MONDO:0971004, OMIM 105210.

Submission:

Labcorp Genetics (formerly Invitae), Labcorp
Classification: Pathogenic for Amyloidosis, hereditary systemic 1. Last evaluated: 2022-12-20. Review status: criteria provided, single submitter. Criteria: Invitae Variant Classification Sherloc (09022015). Collection method: clinical testing. Allele origin: germline.
Comment: This variant is also known as p.Ile84Asn. This missense change has been observed in individual(s) with amyloidosis (PMID: 1350083). This variant is not present in population databases (gnomAD no frequency). This sequence change replaces isoleucine, which is neutral and non-polar, with asparagine, which is neutral and polar, at codon 104 of the TTR protein (p.Ile104Asn). Advanced modeling of protein sequence and biophysical properties (such as structural, functional, and spatial information, amino acid conservation, physicochemical variation, residue mobility, and thermodynamic stability) performed at Invitae indicates that this missense variant is expected to disrupt TTR protein function. For these reasons, this variant has been classified as Pathogenic. This variant disrupts the p.Ile104 amino acid residue in TTR. Other variant(s) that disrupt this residue have been determined to be pathogenic (PMID: 2840822, 3760189, 9547003, 9701270, 17503405, 23713495, 25997029). This suggests that this residue is clinically significant, and that variants that disrupt this residue are likely to be disease-causing.

Literature cited by the submitters: PubMed 1350083; PubMed 2840822; PubMed 3760189; PubMed 9547003; PubMed 9701270; PubMed 17503405; PubMed 23713495; PubMed 25997029.